The following is an entry in ClinVar:

NM_000246.4(CIITA):c.629-9C>T

Gene: CIITA (class II major histocompatibility complex transactivator; plus strand). Cytogenetic location: 16p13.13.
Variant type: single nucleotide variant.
Coding change: c.629-9C>T on transcript NM_000246.4 (MANE Select); 9 bases into the intron before coding-DNA position 629, C replaced by T.
Molecular consequence: intron variant.
Genome position (GRCh38, 1-based): chr16:10,902,649, C>T. VCF-style: chr16-10902649-C-T. GRCh37 (hg19) VCF-style: chr16-10996506-C-T.
Other names: c.632-9C>T (NM_001286402.1, NM_001379332.1); c.485-9C>T (NM_001379330.1); c.629-9C>T (NM_001379333.1); c.482-9C>T (NM_001379331.1, NM_001286403.2); c.560-9C>T (NM_001379334.1).
Identifiers: ClinVar variation 528794 (VCV000528794.12), dbSNP rs372749477, ClinGen allele CA7899853.

ClinVar aggregate classification (germline): Likely benign. Review status: criteria provided, single submitter (1 of 4 stars). 2 submissions from 2 submitters: Likely benign (1). 1 of the submissions does not count toward it. Last evaluated 2024-05-16.

Conditions:
MHC class II deficiency. Also called: BLS, TYPE II; Bare lymphocyte syndrome 2. Identifiers: Orphanet 572, MedGen C5447452, MONDO:0008855.
CIITA-related disorder. Also called: CIITA-related condition.

Allele frequency attached by ClinVar (database versions not stated): gnomAD exomes 0.00001 and 0.00003; ExAC 0.00004; ESP Exome Variant Server 0.00015; gnomAD 0.00017; TOPMed 0.00018.
gnomAD v4.1: 41 of 1,614,232 alleles (0.0025%); highest among the groups gnomAD compares: African/African-American, 0.051%; no homozygotes.

Submissions (2):

Labcorp Genetics (formerly Invitae), Labcorp
Classification: Likely benign for MHC class II deficiency. Last evaluated: 2024-05-16. Review status: criteria provided, single submitter. Criteria: Invitae Variant Classification Sherloc (09022015). Collection method: clinical testing. Allele origin: germline.

PreventionGenetics, part of Exact Sciences
Classification: Uncertain significance for CIITA-related condition. Last evaluated: 2023-10-18. Review status: no assertion criteria provided. Collection method: clinical testing. Allele origin: germline. Not counted in ClinVar's aggregate classification.
Comment: The CIITA c.629-9C>T variant is predicted to interfere with splicing. To our knowledge, this variant has not been reported in the literature. This variant is reported in 0.036% of alleles in individuals of African descent in gnomAD. At this time, the clinical significance of this variant is uncertain due to the absence of conclusive functional and genetic evidence.